The following is an entry in ClinVar:

NM_001098.3(ACO2):c.818A>G (p.Asp273Gly)

Gene: ACO2 (aconitase 2; plus strand). Cytogenetic location: 22q13.2.
Variant type: single nucleotide variant.
Coding change: c.818A>G on transcript NM_001098.3 (MANE Select); coding-DNA position 818, A replaced by G.
Protein change: p.Asp273Gly; replaces aspartic acid 273 with glycine.
Molecular consequence: missense variant.
Genome position (GRCh38, 1-based): chr22:41,515,900, A>G. VCF-style: chr22-41515900-A-G. GRCh37 (hg19) VCF-style: chr22-41911904-A-G.
Other names: short protein forms D273G.
Identifiers: ClinVar variation 4740930 (VCV004740930.1).

ClinVar aggregate classification (germline): Uncertain significance (1 of 4 stars; one submission).

gnomAD v4.1: 1 of 1,613,764 alleles (0.000062%); highest among the groups gnomAD compares: Non-Finnish European, 0.000085%; no homozygotes.

Submission:

Labcorp Genetics (formerly Invitae), Labcorp
Classification: Uncertain significance. Last evaluated: 2025-06-13. Review status: criteria provided, single submitter. Criteria: Invitae Variant Classification Sherloc (09022015). Collection method: clinical testing. Allele origin: germline.
Comment: This sequence change replaces aspartic acid, which is acidic and polar, with glycine, which is neutral and non-polar, at codon 273 of the ACO2 protein (p.Asp273Gly). This variant is not present in population databases (gnomAD no frequency). This variant has not been reported in the literature in individuals affected with ACO2-related conditions. Invitae Evidence Modeling of protein sequence and biophysical properties (such as structural, functional, and spatial information, amino acid conservation, physicochemical variation, residue mobility, and thermodynamic stability) indicates that this missense variant is not expected to disrupt ACO2 protein function with a negative predictive value of 80%. In summary, the available evidence is currently insufficient to determine the role of this variant in disease. Therefore, it has been classified as a Variant of Uncertain Significance.